The following is an entry in ClinVar:

NM_001134831.2(AHI1):c.297C>T (p.Asn99=)

Gene: AHI1 (Abelson helper integration site 1; minus strand). Cytogenetic location: 6q23.3.
Variant type: single nucleotide variant.
Coding change: c.297C>T on transcript NM_001134831.2 (MANE Select); coding-DNA position 297, C replaced by T.
Protein change: p.Asn99=; no amino-acid change (asparagine 99 retained).
Molecular consequence: synonymous variant.
Genome position (GRCh38, 1-based): chr6:135,466,266, G>A on the plus strand (C>T on the coding strand, the complement: AHI1 is on the minus strand). VCF-style: chr6-135466266-G-A. GRCh37 (hg19) VCF-style: chr6-135787404-G-A.
Other names: c.297C>T, p.Asn99= (NM_001134830.2, NM_001134832.2, NM_001350503.2 and 2 more transcripts); c.297C>T (NM_017651.4).
Identifiers: ClinVar variation 2734579 (VCV002734579.5), dbSNP rs2485022238, ClinGen allele CA452430487.

ClinVar aggregate classification (germline): Likely benign. Review status: criteria provided, single submitter (1 of 4 stars). 2 submissions from 2 submitters: Likely benign (1). 1 of the submissions does not count toward it. Last evaluated 2023-07-02.

Conditions:
AHI1-related disorder. Also called: AHI1-related condition.
Joubert syndrome. Also called: CEREBELLOPARENCHYMAL DISORDER IV; JOUBERT-BOLTSHAUSER SYNDROME; Familial aplasia of the vermis. Identifiers: Orphanet 475, MedGen C5979921, MONDO:0018772.

Submissions (2):

Labcorp Genetics (formerly Invitae), Labcorp
Classification: Likely benign for Joubert syndrome. Last evaluated: 2023-07-02. Review status: criteria provided, single submitter. Criteria: Invitae Variant Classification Sherloc (09022015). Collection method: clinical testing. Allele origin: germline.

PreventionGenetics, part of Exact Sciences
Classification: Likely benign for AHI1-related condition. Last evaluated: 2023-05-18. Review status: no assertion criteria provided. Collection method: clinical testing. Allele origin: germline. Not counted in ClinVar's aggregate classification.
Comment: This variant is classified as likely benign based on ACMG/AMP sequence variant interpretation guidelines (Richards et al. 2015 PMID: 25741868, with internal and published modifications).